The following is an entry in ClinVar:

ClinVar aggregate classification (germline): Uncertain significance (1 of 4 stars; one submission).

Submission:

GeneDx
Classification: Uncertain significance. Last evaluated: 2024-02-06. Review status: criteria provided, single submitter. Criteria: GeneDx Variant Classification Process June 2021. Collection method: clinical testing. Allele origin: germline.
Comment: Not observed at significant frequency in large population cohorts (gnomAD); In silico analysis supports that this missense variant does not alter protein structure/function; Has not been previously published as pathogenic or benign to our knowledge

NM_014714.4(IFT140):c.3004C>G (p.Gln1002Glu)

Genes: IFT140 (intraflagellar transport 140; minus strand), LOC126862260 (CDK7 strongly-dependent group 2 enhancer GRCh37_chr16:1574508-1575707; plus strand). Cytogenetic location: 16p13.3.
Variant type: single nucleotide variant.
Coding change: c.3004C>G on transcript NM_014714.4 (MANE Select); coding-DNA position 3004, C replaced by G.
Protein change: p.Gln1002Glu; replaces glutamine 1002 with glutamic acid.
Molecular consequence: missense variant.
Genome position (GRCh38, 1-based): chr16:1,524,689, G>C on the plus strand (C>G on the coding strand, the complement: IFT140 is on the minus strand). VCF-style: chr16-1524689-G-C. GRCh37 (hg19) VCF-style: chr16-1574690-G-C.
Other names: short protein forms Q1002E.
Identifiers: ClinVar variation 2576858 (VCV002576858.2), dbSNP rs2506113835, ClinGen allele CA394226169.
Genomic context (GRCh38, chr16:1,524,689, plus strand): 5'-TCTCGTACTGGCGGGCGAGGTGGTAGGAGGCCGCCAGGTTTCCTGTCTCGTTGGCTATTT[G>C]CGCAGCCTAGAAAGACAAAGAACCCAAAGACGAGACACGGTGGCCTTGTGTCTGCCTCGT-3'
Protein context (NP_055529.2, residues 992-1012): CFQGNVQKAA[Gln1002Glu]IANETGNLAA